The following is an entry in ClinVar:

NM_006348.5(COG5):c.548C>G (p.Ser183Cys)

Gene: COG5 (component of oligomeric golgi complex 5; minus strand). Cytogenetic location: 7q22.3.
Variant type: single nucleotide variant.
Coding change: c.548C>G on transcript NM_006348.5 (MANE Select); coding-DNA position 548, C replaced by G.
Protein change: p.Ser183Cys; replaces serine 183 with cysteine.
Molecular consequence: missense variant. On other transcripts: intron variant (2).
Genome position (GRCh38, 1-based): chr7:107,412,623, G>C on the plus strand (C>G on the coding strand, the complement: COG5 is on the minus strand). VCF-style: chr7-107412623-G-C. GRCh37 (hg19) VCF-style: chr7-107053068-G-C.
Other names: c.548C>G, p.Ser183Cys (NM_001161520.2, NM_001379511.1, NM_001379512.1 and 3 more transcripts); c.235-50513C>G (NM_001379516.1); c.539-114277C>G (NM_001379515.1); short protein forms S183C.
Identifiers: ClinVar variation 2127398 (VCV002127398.4), dbSNP rs2536743983, ClinGen allele CA368939282.

ClinVar aggregate classification (germline): Uncertain significance (1 of 4 stars; one submission).

Conditions:
COG5-congenital disorder of glycosylation. Also called: CDG IIi; CONGENITAL DISORDER OF GLYCOSYLATION, TYPE IIi; COG5-CDG. Identifiers: Orphanet 263487, MedGen C3150876, MONDO:0013325, OMIM 613612.

gnomAD v4.1: 1 of 1,528,688 alleles (0.000065%); highest among the groups gnomAD compares: Non-Finnish European, 0.00009%; no homozygotes.

Submission:

Labcorp Genetics (formerly Invitae), Labcorp
Classification: Uncertain significance for COG5-congenital disorder of glycosylation. Last evaluated: 2022-04-17. Review status: criteria provided, single submitter. Criteria: Invitae Variant Classification Sherloc (09022015). Collection method: clinical testing. Allele origin: germline.
Comment: This sequence change replaces serine, which is neutral and polar, with cysteine, which is neutral and slightly polar, at codon 214 of the COG5 protein (p.Ser214Cys). This variant is not present in population databases (gnomAD no frequency). This variant has not been reported in the literature in individuals affected with COG5-related conditions. Algorithms developed to predict the effect of missense changes on protein structure and function (SIFT, PolyPhen-2, Align-GVGD) all suggest that this variant is likely to be tolerated. In summary, the available evidence is currently insufficient to determine the role of this variant in disease. Therefore, it has been classified as a Variant of Uncertain Significance.